The following is an entry in ClinVar:

ClinVar aggregate classification (germline): Likely pathogenic. Review status: criteria provided, single submitter (1 of 4 stars). 2 submissions from 2 submitters: Likely pathogenic (1). 1 of the submissions does not count toward it. Last evaluated 2024-09-06.

Conditions:
Familial thoracic aortic aneurysm and aortic dissection (TAAD). Also called: Thoracic aortic aneurysms and dissections. Identifiers: Orphanet 91387, MedGen C4707243, MONDO:0019625.
Ehlers-Danlos syndrome, type 4 (EDSVASC). Also called: Ehlers-Danlos syndrome vascular type; Ehlers Danlos syndrome, ecchymotic type; Ehlers Danlos syndrome, arterial type; Ehlers Danlos syndrome, Sack-Barabas type; Ehlers-Danlos Syndrome Type IV. Identifiers: Orphanet 286, MedGen C0268338, MONDO:0017314, OMIM 130050.

Submissions (2):

Centre of Medical Genetics, University of Antwerp
Classification: Likely pathogenic for Familial thoracic aortic aneurysm and aortic dissection. Last evaluated: 2024-09-06. Review status: criteria provided, single submitter. Criteria: ACMG Guidelines, 2015. Collection method: clinical testing. Allele origin: germline. Affected: yes.
Comment: LP(PM 1-2, 5; PP2-3,5)

Collagen Diagnostic Laboratory, University of Washington
Classification: Pathogenic for Ehlers-Danlos syndrome, type 4. Review status: no assertion criteria provided. Collection method: clinical testing. Allele origin: germline. Affected: yes. Not counted in ClinVar's aggregate classification.

NM_000090.4(COL3A1):c.2888G>A (p.Gly963Asp)

Gene: COL3A1 (collagen type III alpha 1 chain; plus strand). Cytogenetic location: 2q32.2.
Variant type: single nucleotide variant.
Coding change: c.2888G>A on transcript NM_000090.4 (MANE Select); coding-DNA position 2888, G replaced by A.
Protein change: p.Gly963Asp; replaces glycine 963 with aspartic acid.
Molecular consequence: missense variant.
Genome position (GRCh38, 1-based): chr2:189,004,321, G>A. VCF-style: chr2-189004321-G-A. GRCh37 (hg19) VCF-style: chr2-189869047-G-A.
Identifiers: ClinVar variation 101210 (VCV000101210.3), dbSNP rs587779511, ClinGen allele CA005816.
Genomic context (GRCh38, chr2:189,004,321, plus strand): 5'-CTCCAGGCCCACTTGGGATTGCTGGGATCACTGGAGCACGGGGTCTTGCAGGACCACCAG[G>A]CATGCCAGGTCCTAGGGGAAGCCCTGGCCCTCAGGGTGTCAAGGTGAGTATAGTCATTTT-3'
Protein context (NP_000081.2, residues 953-973): TGARGLAGPP[Gly963Asp]MPGPRGSPGP